The following is an entry in ClinVar:

ClinVar aggregate classification (germline): Uncertain significance (1 of 4 stars; one submission).

Conditions:
Familial intrahepatic cholestasis. Identifiers: Orphanet 284385, MedGen CN296401, MONDO:0017290.

Submission:

Genomenon, Inc
Classification: Uncertain significance for Familial intrahepatic cholestasis. Last evaluated: 2026-04-14. Review status: criteria provided, single submitter. Criteria: Genomenon Sequence Variant Interpretation Standards - Updated. Collection method: curation. Allele origin: germline. Affected: yes.
Comment: ABCB4 c.3081+3A>C is an intronic variant located in the donor splice region of intron 24. This variant has been observed in at least one proband with an ABCB4-related disorder (PMID:34961929). It is absent or not present at a significant frequency in gnomAD. In silico models predict that this variant is possibly or probably damaging. In conclusion, we classify ABCB4 c.3081+3A>C as a variant of uncertain significance.

Literature cited by the submitters: PubMed 34961929.

NM_000443.4(ABCB4):c.3081+3A>C

Gene: ABCB4 (ATP binding cassette subfamily B member 4; minus strand). Cytogenetic location: 7q21.12.
Variant type: single nucleotide variant.
Coding change: c.3081+3A>C on transcript NM_000443.4 (MANE Select); 3 bases into the intron after coding-DNA position 3081, A replaced by C.
Molecular consequence: intron variant.
Genome position (GRCh38, 1-based): chr7:87,409,233, T>G on the plus strand (A>C on the coding strand, the complement: ABCB4 is on the minus strand). VCF-style: chr7-87409233-T-G. GRCh37 (hg19) VCF-style: chr7-87038549-T-G.
Other names: c.2940+3A>C (NM_018850.3); c.3081+3A>C (NM_018849.3).
Identifiers: ClinVar variation 4846360 (VCV004846360.1).
Genomic context (GRCh38, chr7:87,409,233, plus strand): 5'-TCTAGCAGACAGCAAACCTTAGGGAAAAATTGATCAAGCATCATCAGGCATCAGAGAACT[T>G]ACAGGCTTCAGCCCCTCTTCACTGTAGCTGTCAATCAGAGGTTGTCTTTCAAACAGCATG-3'